The following is an entry in ClinVar:

ClinVar aggregate classification (germline): Uncertain significance (1 of 4 stars; one submission).

Conditions:
Neuronal ceroid lipofuscinosis. Also called: Neuronal Ceroid Lipofuscinoses. Identifiers: Orphanet 216, Orphanet 79263, MedGen C0027877, MONDO:0016295. Disease mechanism: loss of function.

Submission:

Labcorp Genetics (formerly Invitae), Labcorp
Classification: Uncertain significance for Neuronal ceroid lipofuscinosis. Last evaluated: 2024-02-05. Review status: criteria provided, single submitter. Criteria: Invitae Variant Classification Sherloc (09022015). Collection method: clinical testing. Allele origin: germline.
Comment: This sequence change replaces arginine, which is basic and polar, with serine, which is neutral and polar, at codon 6 of the CLN5 protein (p.Arg6Ser). This variant is not present in population databases (gnomAD no frequency). This variant has not been reported in the literature in individuals affected with CLN5-related conditions. ClinVar contains an entry for this variant (Variation ID: 1713862). Experimental studies and prediction algorithms are not available or were not evaluated, and the functional significance of this variant is currently unknown. In summary, the available evidence is currently insufficient to determine the role of this variant in disease. Therefore, it has been classified as a Variant of Uncertain Significance.

NC_000013.11:g.76991967C>A

Gene: CLN5 (CLN5 lysosomal BMP synthase; plus strand). Cytogenetic location: 13q22.3.
Variant type: single nucleotide variant.
Molecular consequence: missense variant (on NM_006493.2).
Genome position: GRCh38 VCF-style: chr13-76991967-C-A. GRCh37 (hg19) VCF-style: chr13-77566102-C-A.
Other names: c.16C>A, p.Arg6Ser (NM_006493.2); short protein forms R6S.
Identifiers: ClinVar variation 1713862 (VCV001713862.5), dbSNP rs1295143623, ClinGen allele CA388305574.